The following is an entry in ClinVar:

ClinVar aggregate classification (germline): Uncertain significance (1 of 4 stars; one submission).

Conditions:
Cardiovascular phenotype. Identifiers: MedGen CN230736.

Submission:

Ambry Genetics
Classification: Uncertain significance for Cardiovascular phenotype. Last evaluated: 2023-12-25. Review status: criteria provided, single submitter. Criteria: Ambry Variant Classification Scheme 2023. Collection method: clinical testing. Allele origin: germline.
Comment: The p.Q397R variant (also known as c.1190A>G), located in coding exon 17 of the TRDN gene, results from an A to G substitution at nucleotide position 1190. The glutamine at codon 397 is replaced by arginine, an amino acid with highly similar properties. This amino acid position is conserved. In addition, this alteration is predicted to be tolerated by in silico analysis. Since supporting evidence is limited at this time, the clinical significance of this alteration remains unclear.

NM_006073.4(TRDN):c.1190A>G (p.Gln397Arg)

Gene: TRDN (triadin; minus strand). Cytogenetic location: 6q22.31.
Variant type: single nucleotide variant.
Coding change: c.1190A>G on transcript NM_006073.4 (MANE Select); coding-DNA position 1190, A replaced by G.
Protein change: p.Gln397Arg; replaces glutamine 397 with arginine.
Molecular consequence: missense variant.
Genome position (GRCh38, 1-based): chr6:123,377,895, T>C on the plus strand (A>G on the coding strand, the complement: TRDN is on the minus strand). VCF-style: chr6-123377895-T-C. GRCh37 (hg19) VCF-style: chr6-123699040-T-C.
Other names: c.1193A>G, p.Gln398Arg (NM_001251987.2); c.1133A>G, p.Gln378Arg (NM_001407315.1); short protein forms Q378R, Q397R, Q398R.
Identifiers: ClinVar variation 3225232 (VCV003225232.1), dbSNP rs2533837722, ClinGen allele CA365566643.
Genomic context (GRCh38, chr6:123,377,895, plus strand): 5'-TGTGAGAACAGAGGAATTTAAAAACAGTTACCTGGTTCCACATGTTTTTCTTTCTTTTCC[T>C]GTTCTGAAACATATTATTATTGTTATTATTATTATCGTTATTATTCTAAAGTTTATGAAT-3'
Protein context (NP_006064.2, residues 387-407): AEVEQPKGKK[Gln397Arg]EKKEKHVEPA